The following is an entry in ClinVar:

ClinVar aggregate classification (germline): Uncertain significance. Review status: criteria provided, multiple submitters, no conflicts (2 of 4 stars). 3 submissions from 3 submitters: Uncertain significance (2). 1 of the submissions does not count toward it. Last evaluated 2022-10-10.

Conditions:
Alstrom syndrome (ALMS). Identifiers: Orphanet 64, MedGen C0268425, MONDO:0008763, OMIM 203800.

Allele frequency attached by ClinVar (database versions not stated): gnomAD exomes below 0.00001; TOPMed 0.00001; ESP Exome Variant Server 0.00008.
gnomAD v4.1: 6 of 1,613,818 alleles (0.00037%); highest among the groups gnomAD compares: Non-Finnish European, 0.00051%; no homozygotes.

Submissions (3):

Blueprint Genetics
Classification: Uncertain significance. Last evaluated: 2022-10-10. Review status: criteria provided, single submitter. Criteria: ACMG Guidelines, 2015. Collection method: clinical testing. Allele origin: germline.

Labcorp Genetics (formerly Invitae), Labcorp
Classification: Uncertain significance for Alstrom syndrome. Last evaluated: 2022-08-19. Review status: criteria provided, single submitter. Criteria: Invitae Variant Classification Sherloc (09022015). Collection method: clinical testing. Allele origin: germline.
Comment: This sequence change replaces leucine, which is neutral and non-polar, with isoleucine, which is neutral and non-polar, at codon 1616 of the ALMS1 protein (p.Leu1616Ile). This variant is present in population databases (rs375736124, gnomAD 0.002%). This variant has not been reported in the literature in individuals affected with ALMS1-related conditions. ClinVar contains an entry for this variant (Variation ID: 550736). Experimental studies and prediction algorithms are not available or were not evaluated, and the functional significance of this variant is currently unknown. In summary, the available evidence is currently insufficient to determine the role of this variant in disease. Therefore, it has been classified as a Variant of Uncertain Significance.

Counsyl
Classification: Uncertain significance for Alstrom syndrome. Last evaluated: 2017-02-10. Review status: no assertion criteria provided. Collection method: clinical testing. Allele origin: unknown. Not counted in ClinVar's aggregate classification.

NM_001378454.1(ALMS1):c.4843T>A (p.Leu1615Ile)

Gene: ALMS1 (ALMS1 centrosome and basal body associated protein; plus strand). Cytogenetic location: 2p13.1.
Variant type: single nucleotide variant.
Coding change: c.4843T>A on transcript NM_001378454.1 (MANE Select); coding-DNA position 4843, T replaced by A.
Protein change: p.Leu1615Ile; replaces leucine 1615 with isoleucine.
Molecular consequence: missense variant.
Genome position (GRCh38, 1-based): chr2:73,451,370, T>A. VCF-style: chr2-73451370-T-A. GRCh37 (hg19) VCF-style: chr2-73678497-T-A.
Other names: c.4846T>A, p.Leu1616Ile (NM_015120.4); short protein forms L1616I, L1615I.
Identifiers: ClinVar variation 550736 (VCV000550736.5), dbSNP rs375736124, ClinGen allele CA1713776.